The following is an entry in ClinVar:

NM_002137.4(HNRNPA2B1):c.205_206delinsCT (p.Ala69Leu)

Gene: HNRNPA2B1 (heterogeneous nuclear ribonucleoprotein A2/B1; minus strand). Cytogenetic location: 7p15.2.
Variant type: Indel.
Coding change: c.205_206delinsCT on transcript NM_002137.4 (MANE Select); coding-DNA positions 205 to 206, GC replaced by CT.
Protein change: p.Ala69Leu; replaces alanine 69 with leucine.
Molecular consequence: missense variant.
Genome position (GRCh38, 1-based): chr7:26,197,373-26,197,374, GC replaced by AG on the plus strand (GC replaced by CT on the coding strand, the reverse complement: HNRNPA2B1 is on the minus strand). VCF-style: chr7-26197373-GC-AG. GRCh37 (hg19) VCF-style: chr7-26236993-GC-AG.
Other names: c.241_242delGCinsCT, p.Ala81Leu (NM_031243.4); short protein forms A69L, A81L.
Identifiers: ClinVar variation 1396081 (VCV001396081.8), dbSNP rs2128123630, ClinGen allele CA2573142070.

ClinVar aggregate classification (germline): Uncertain significance (1 of 4 stars; one submission).

Conditions:
Inclusion body myopathy with early-onset Paget disease with or without frontotemporal dementia 2 (IBMPFD2). Also called: MULTISYSTEM PROTEINOPATHY 2. Identifiers: MedGen C3809468, MONDO:0014178, OMIM 615422.

Submission:

Labcorp Genetics (formerly Invitae), Labcorp
Classification: Uncertain significance for Inclusion body myopathy with early-onset Paget disease with or without frontotemporal dementia 2. Last evaluated: 2022-08-26. Review status: criteria provided, single submitter. Criteria: Invitae Variant Classification Sherloc (09022015). Collection method: clinical testing. Allele origin: germline.
Comment: This variant has not been reported in the literature in individuals affected with HNRNPA2B1-related conditions. Information on the frequency of this variant in the gnomAD database is not available, as this variant may be reported differently in the database. This sequence change replaces alanine, which is neutral and non-polar, with leucine, which is neutral and non-polar, at codon 81 of the HNRNPA2B1 protein (p.Ala81Leu). In summary, the available evidence is currently insufficient to determine the role of this variant in disease. Therefore, it has been classified as a Variant of Uncertain Significance. Algorithms developed to predict the effect of missense changes on protein structure and function are either unavailable or do not agree on the potential impact of this missense change (SIFT: "Not Available"; PolyPhen-2: "Probably Damaging"; Align-GVGD: "Not Available"). ClinVar contains an entry for this variant (Variation ID: 1396081).